The following is an entry in ClinVar:

NM_005850.5(SF3B4):c.1266C>T (p.Leu422=)

Gene: SF3B4 (splicing factor 3b subunit 4; minus strand). Cytogenetic location: 1q21.2.
Variant type: single nucleotide variant.
Coding change: c.1266C>T on transcript NM_005850.5 (MANE Select); coding-DNA position 1266, C replaced by T.
Protein change: p.Leu422=; no amino-acid change (leucine 422 retained).
Molecular consequence: synonymous variant.
Genome position (GRCh38, 1-based): chr1:149,923,551, G>A on the plus strand (C>T on the coding strand, the complement: SF3B4 is on the minus strand). VCF-style: chr1-149923551-G-A. GRCh37 (hg19) VCF-style: chr1-149895443-G-A.
Identifiers: ClinVar variation 4821848 (VCV004821848.5).
Genomic context (GRCh38, chr1:149,923,551, plus strand): 5'-GGAATAGAAAAGATATTGGGAAAATGTAACAGGAGGAAGGAAAATGTGAATTTACTGAGG[G>A]AGAGGGCCTCGAAGTGGGCCTCGAGGGGGAACTGGTGGCCGGGGAGTGGGTCTGGGTGGA-3'
Protein context (NP_005841.1, residues 412-424): VPPRGPLRGP[Leu422=]PQ

ClinVar aggregate classification (germline): Likely benign. Review status: criteria provided, multiple submitters, no conflicts (2 of 4 stars). 2 submissions from 2 submitters: Likely benign (2). Last evaluated 2026-01-01.

gnomAD v4.1: 30 of 1,574,430 alleles (0.0019%); highest among the groups gnomAD compares: East Asian, 0.031%; no homozygotes.

Submissions (2):

CeGaT Center for Human Genetics Tuebingen
Classification: Likely benign. Last evaluated: 2026-01-01. Review status: criteria provided, single submitter. Criteria: CeGaT Center For Human Genetics Tuebingen Variant Classification Criteria Version 2. Collection method: clinical testing. Allele origin: germline. Affected: yes. Observed: 1 variant allele.
Comment: SF3B4: BP4, BP7

Blueprint Genetics
Classification: Likely benign. Last evaluated: 2024-05-08. Review status: criteria provided, single submitter. Criteria: ACMG Guidelines, 2015. Collection method: clinical testing. Allele origin: germline.